The following is an entry in ClinVar:

ClinVar aggregate classification (germline): Uncertain significance. Review status: criteria provided, multiple submitters, no conflicts (2 of 4 stars). 2 submissions from 2 submitters: Uncertain significance (2). Last evaluated 2022-06-10.

Conditions:
Polyhydramnios, megalencephaly, and symptomatic epilepsy (PMSE). Also called: PMSE SYNDROME. Identifiers: Orphanet 500533, MedGen C1970203, MONDO:0012611, OMIM 611087.

Allele frequency attached by ClinVar (database versions not stated): gnomAD exomes below 0.00001; ExAC 0.00001.
gnomAD v4.1: 2 of 1,505,702 alleles (0.00013%); highest among the groups gnomAD compares: South Asian, 0.0012%; no homozygotes.

Submissions (2):

Labcorp Genetics (formerly Invitae), Labcorp
Classification: Uncertain significance for Polyhydramnios, megalencephaly, and symptomatic epilepsy. Last evaluated: 2022-06-10. Review status: criteria provided, single submitter. Criteria: Invitae Variant Classification Sherloc (09022015). Collection method: clinical testing. Allele origin: germline.
Comment: In summary, the available evidence is currently insufficient to determine the role of this variant in disease. Therefore, it has been classified as a Variant of Uncertain Significance. Algorithms developed to predict the effect of missense changes on protein structure and function are either unavailable or do not agree on the potential impact of this missense change (SIFT: "Tolerated"; PolyPhen-2: "Probably Damaging"; Align-GVGD: "Class C0"). This variant has not been reported in the literature in individuals affected with STRADA-related conditions. This variant is present in population databases (rs767384413, gnomAD 0.009%). This sequence change replaces valine, which is neutral and non-polar, with methionine, which is neutral and non-polar, at codon 296 of the STRADA protein (p.Val296Met).

Revvity Omics, Revvity
Classification: Uncertain significance for Polyhydramnios, megalencephaly, and symptomatic epilepsy. Last evaluated: 2022-03-16. Review status: criteria provided, single submitter. Criteria: ACMG Guidelines, 2015. Collection method: clinical testing. Allele origin: germline.

NM_001003787.4(STRADA):c.886G>A (p.Val296Met)

Gene: STRADA (STE20 related adaptor alpha; minus strand). Cytogenetic location: 17q23.3.
Variant type: single nucleotide variant.
Coding change: c.886G>A on transcript NM_001003787.4 (MANE Select); coding-DNA position 886, G replaced by A.
Protein change: p.Val296Met; replaces valine 296 with methionine.
Molecular consequence: missense variant. On other transcripts: non-coding transcript variant (1).
Genome position (GRCh38, 1-based): chr17:63,704,555, C>T on the plus strand (G>A on the coding strand, the complement: STRADA is on the minus strand). VCF-style: chr17-63704555-C-T. GRCh37 (hg19) VCF-style: chr17-61781915-C-T.
Other names: c.775G>A, p.Val259Met (NM_001003786.3, NM_001363789.1, NM_153335.6); c.712G>A, p.Val238Met (NM_001003788.3, NM_001363790.1, NM_001363791.1); c.799G>A, p.Val267Met (NM_001165969.2, NM_001363787.1); c.754G>A, p.Val252Met (NM_001165970.2); c.862G>A, p.Val288Met (NM_001363786.1); c.886G>A, p.Val296Met (NM_001363788.1); c.*324G>A (NM_001411083.1, NM_001411084.1); c.*335G>A (NM_001411085.1); short protein forms V288M, V238M, V267M, V296M, V252M, V259M.
Identifiers: ClinVar variation 1943358 (VCV001943358.6), dbSNP rs767384413, ClinGen allele CA8703188.